The following is an entry in ClinVar:

ClinVar aggregate classification (germline): Uncertain significance. Review status: criteria provided, multiple submitters, no conflicts (2 of 4 stars). 2 submissions from 2 submitters: Uncertain significance (2). Last evaluated 2024-11-19.

Conditions:
Atrial fibrillation, familial, 11 (ATFB11). Identifiers: MedGen C3279693, MONDO:0013544, OMIM 614049.
Atrial standstill 1 (ATRST1). Also called: Atrial standstill, digenic (GJA5/SCN5A); ATRIAL CARDIOMYOPATHY WITH HEART BLOCK; CARDIOMYOPATHY, FAMILIAL, WITH CONDUCTION DISTURBANCE. Identifiers: Orphanet 1344, MedGen C4551959, MONDO:0007171, OMIM 108770.

Allele frequency attached by ClinVar (database versions not stated): gnomAD 0.00001; TOPMed 0.00001; gnomAD exomes 0.00003.

Submissions (2):

Labcorp Genetics (formerly Invitae), Labcorp
Classification: Uncertain significance for Atrial fibrillation, familial, 11; Atrial standstill 1. Last evaluated: 2024-11-19. Review status: criteria provided, single submitter. Criteria: Invitae Variant Classification Sherloc (09022015). Collection method: clinical testing. Allele origin: germline.
Comment: This sequence change replaces serine, which is neutral and polar, with cysteine, which is neutral and slightly polar, at codon 120 of the GJA5 protein (p.Ser120Cys). This variant is present in population databases (no rsID available, gnomAD 0.02%). This variant has not been reported in the literature in individuals affected with GJA5-related conditions. ClinVar contains an entry for this variant (Variation ID: 1317232). Invitae Evidence Modeling of protein sequence and biophysical properties (such as structural, functional, and spatial information, amino acid conservation, physicochemical variation, residue mobility, and thermodynamic stability) indicates that this missense variant is not expected to disrupt GJA5 protein function with a negative predictive value of 80%. In summary, the available evidence is currently insufficient to determine the role of this variant in disease. Therefore, it has been classified as a Variant of Uncertain Significance.

GeneDx
Classification: Uncertain significance. Last evaluated: 2019-06-25. Review status: criteria provided, single submitter. Criteria: GeneDx Variant Classification Process June 2021. Collection method: clinical testing. Allele origin: germline. Affected: yes.
Comment: Has not been previously published as pathogenic or benign to our knowledge; In silico analysis, which includes protein predictors and evolutionary conservation, supports that this variant does not alter protein structure/function

NM_181703.4(GJA5):c.359C>G (p.Ser120Cys)

Gene: GJA5 (gap junction protein alpha 5; minus strand). Cytogenetic location: 1q21.2.
Variant type: single nucleotide variant.
Coding change: c.359C>G on transcript NM_181703.4 (MANE Select); coding-DNA position 359, C replaced by G.
Protein change: p.Ser120Cys; replaces serine 120 with cysteine.
Molecular consequence: missense variant.
Genome position (GRCh38, 1-based): chr1:147,758,880, G>C on the plus strand (C>G on the coding strand, the complement: GJA5 is on the minus strand). VCF-style: chr1-147758880-G-C. GRCh37 (hg19) VCF-style: chr1-147230988-G-C.
Other names: c.359C>G, p.Ser120Cys (NM_005266.7); short protein forms S120C.
Identifiers: ClinVar variation 1317232 (VCV001317232.6), dbSNP rs1553227023, ClinGen allele CA342396710.